The following is an entry in ClinVar:

ClinVar aggregate classification (germline): Uncertain significance. Review status: reviewed by expert panel (3 of 4 stars). 7 submissions from 7 submitters: Uncertain significance (1). 6 of the submissions do not count toward it. Last evaluated 2025-08-01.

Conditions:
RYR1-related disorder. Also called: RYR1-related condition; RYR1-related disorders. Identifiers: MedGen CN239331.
Malignant hyperthermia, susceptibility to, 1 (MHS1). Also called: Anesthesia related hyperthermia; Malignant hyperpyrexia; Fulminating hyperpyrexia; Pharmacogenic myopathy; Malignant hyperthermia suceptibility 1; RYR1-Related Malignant Hyperthermia Susceptibility. Identifiers: Orphanet 423, MedGen C2930980, MONDO:0007783, OMIM 145600.

Allele frequency attached by ClinVar (database versions not stated): gnomAD exomes 0.00002; TOPMed 0.00002; gnomAD 0.00004 and 0.00005; 1000 Genomes Project 0.00020; 1000 Genomes Project 30x 0.00031.
gnomAD v4.1: 57 of 1,613,814 alleles (0.0035%); highest among the groups gnomAD compares: Middle Eastern, 0.016%; no homozygotes.

Submissions (7):

ClinGen Malignant Hyperthermia Susceptibility Variant Curation Expert Panel, ClinGen
Classification: Uncertain significance for Malignant hyperthermia, susceptibility to, 1. Last evaluated: 2025-08-01. Review status: reviewed by expert panel. Criteria: ClinGen MHS ACMG Specifications V2. Collection method: curation. Allele origin: germline. Inheritance: Autosomal dominant inheritance. Study: ClinGen.
Comment: This pathogenicity assessment is relevant only for malignant hyperthermia susceptibility (MHS) inherited in an autosomal dominant pattern. Variants in RYR1 can also cause other myopathies inherited in an autosomal dominant pattern or in an autosomal recessive pattern. Some of these disorders may predispose individuals to malignant hyperthermia. RYR1 variants may also contribute to a malignant hyperthermia reaction in combination with other genetic and non-genetic factors and the clinician needs to consider such factors in making management decisions. This sequence variant predicts a substitution of Arginine with Histidine at codon 2224 of the RYR1 protein, p.(Arg2224His). The maximum allele frequency for this variant among the six major gnomAD populations is SAS: 0.000033, a frequency consistent with pathogenicity for MHS. This variant has been reported as a variant of uncertain significance (PMID:30155738) and has an entry in ClinVar. No functional studies were identified for this variant. This variant resides in a region of RYR1 considered to be a hotspot for pathogenic variants that contribute to MHS, PM1 (PMID: 21118704). A REVEL score of 0.605 supports neither a pathogenic nor a benign status for this variant. This variant has been classified as a Variant of Unknown Significance. Criteria implemented: PM1.

Labcorp Genetics (formerly Invitae), Labcorp
Classification: Uncertain significance for RYR1-related disorder. Last evaluated: 2025-10-01. Review status: criteria provided, single submitter. Criteria: Invitae Variant Classification Sherloc (09022015). Collection method: clinical testing. Allele origin: germline. Not counted in ClinVar's aggregate classification.
Comment: This sequence change replaces arginine, which is basic and polar, with histidine, which is basic and polar, at codon 2224 of the RYR1 protein (p.Arg2224His). This variant is present in population databases (rs537994744, gnomAD 0.003%). This missense change has been observed in individual(s) with autosomal recessive RYR1-related disease (PMID: 30155738). ClinVar contains an entry for this variant (Variation ID: 478260). Invitae Evidence Modeling of protein sequence and biophysical properties (such as structural, functional, and spatial information, amino acid conservation, physicochemical variation, residue mobility, and thermodynamic stability) indicates that this missense variant is not expected to disrupt RYR1 protein function with a negative predictive value of 80%. In summary, the available evidence is currently insufficient to determine the role of this variant in disease. Therefore, it has been classified as a Variant of Uncertain Significance.

All of Us Research Program, National Institutes of Health
Classification: Uncertain significance for Malignant hyperthermia, susceptibility to, 1. Last evaluated: 2024-07-20. Review status: criteria provided, single submitter. Criteria: ACMG Guidelines, 2015. Collection method: clinical testing. Allele origin: germline. Inheritance: Autosomal dominant inheritance. Observed: 11 variant alleles, 11 heterozygotes. Not counted in ClinVar's aggregate classification.
Comment: This missense variant replaces arginine with histidine at codon 2224 of the RYR1 protein. Computational prediction is inconclusive regarding the impact of this variant on protein structure and function (internally defined REVEL score threshold 0.5 < inconclusive < 0.7, PMID: 27666373). To our knowledge, functional studies have not been reported for this variant. This variant has not been reported in individuals affected with autosomal dominant malignant hyperthermia in the literature, although it is associated with other phenotype(s) (ClinVar Variation ID: 478260). This variant has been identified in 6/282256 chromosomes in the general population by the Genome Aggregation Database (gnomAD). Due to insufficient evidence, this variant is classified as a Variant of Uncertain Significance for autosomal dominant malignant hyperthermia.

This study involves interpretation of variants in research participants for the purpose of population health screening. Participant phenotype was not available at the time of variant classification. Additional details can be found in publication PMID: 35346344, PMCID: PMC8962531

Color Diagnostics, LLC DBA Color Health
Classification: Uncertain significance for Malignant hyperthermia, susceptibility to, 1. Last evaluated: 2024-04-18. Review status: criteria provided, single submitter. Criteria: ACMG Guidelines, 2015. Collection method: clinical testing. Allele origin: germline. Not counted in ClinVar's aggregate classification.
Comment: This missense variant replaces arginine with histidine at codon 2224 of the RYR1 protein. Computational prediction is inconclusive regarding the impact of this variant on protein structure and function. To our knowledge, functional studies have not been reported for this variant. This variant has not been reported in individuals affected with autosomal dominant malignant hyperthermia in the literature, although it has been reported in individuals affected with other phenotype(s) (PMID: 30155738 ). This variant has been identified in 6/282256 chromosomes in the general population by the Genome Aggregation Database (gnomAD). Due to insufficient evidence, this variant is classified as a Variant of Uncertain Significance for autosomal dominant malignant hyperthermia.

Mendelics
Classification: Uncertain significance for Malignant hyperthermia, susceptibility to, 1. Last evaluated: 2023-04-21. Review status: criteria provided, single submitter. Criteria: Mendelics Assertion Criteria 2017. Collection method: clinical testing. Allele origin: unknown. Not counted in ClinVar's aggregate classification.

Revvity Omics, Revvity
Classification: Uncertain significance. Last evaluated: 2021-09-22. Review status: criteria provided, single submitter. Criteria: ACMG Guidelines, 2015. Collection method: clinical testing. Allele origin: germline. Not counted in ClinVar's aggregate classification.

Illumina Laboratory Services, Illumina
Classification: Uncertain significance for RYR1-related disorder. Last evaluated: 2021-05-20. Review status: criteria provided, single submitter. Criteria: ICSLVariantClassificationCriteria RUGD 01 April 2020. Collection method: clinical testing. Allele origin: unknown. Not counted in ClinVar's aggregate classification.
Comment: The RYR1 c.6671G>A (p.Arg2224His) variant is a missense variant that has been reported in a compound heterozygous state in one individual with a myopathy phenotype described as mild (Todd et al. 2018). It has not been reported in association with malignant hyperthermia susceptibility. Control data are unavailable for this variant, which is reported at a frequency of 0.000074 in the European (non-Finnish) population of the Genome Aggregation Database v3.1.1. This variant is located at a conserved residue in the bridging solenoid of the cytosolic shell domain; however, in silico predictions of pathogenicity are mixed. Based on the limited evidence, the p.Arg2224His is classified as a variant of uncertain significance for RYR1-related disorders.

Literature cited by the submitters: PubMed 30155738 (cited by 3 submitters).

NM_000540.3(RYR1):c.6671G>A (p.Arg2224His)

Gene: RYR1 (ryanodine receptor 1; plus strand). Cytogenetic location: 19q13.2.
Variant type: single nucleotide variant.
Coding change: c.6671G>A on transcript NM_000540.3 (MANE Select); coding-DNA position 6671, G replaced by A.
Protein change: p.Arg2224His; replaces arginine 2224 with histidine.
Molecular consequence: missense variant.
Genome position (GRCh38, 1-based): chr19:38,496,416, G>A. VCF-style: chr19-38496416-G-A. GRCh37 (hg19) VCF-style: chr19-38987056-G-A.
Other names: NM_000540.2(RYR1):c.6671G>A; p.Arg2224His; c.6671G>A, p.Arg2224His (NM_001042723.2); short protein forms R2224H.
Identifiers: ClinVar variation 478260 (VCV000478260.24), dbSNP rs537994744, ClinGen allele CA308104313.